The following is an entry in ClinVar:

ClinVar aggregate classification (germline): Conflicting classifications of pathogenicity. Review status: criteria provided, conflicting classifications (1 of 4 stars). 2 submissions from 2 submitters: Uncertain significance (1); Likely benign (1). Last evaluated 2024-06-12.

Allele frequency attached by ClinVar (database versions not stated): TOPMed 0.00005; 1000 Genomes Project 30x 0.00016; gnomAD exomes 0.00017; 1000 Genomes Project 0.00020; ExAC 0.00042; gnomAD 0.00045.
gnomAD v4.1: 324 of 1,602,280 alleles (0.02%); highest among the groups gnomAD compares: Middle Eastern, 0.033%; 2 homozygotes.

Submissions (2):

GeneDx
Classification: Uncertain significance. Last evaluated: 2024-06-12. Review status: criteria provided, single submitter. Criteria: GeneDx Variant Classification Process June 2021. Collection method: clinical testing. Allele origin: germline. Affected: yes.
Comment: In silico analysis indicates that this missense variant does not alter protein structure/function; Has not been previously published as pathogenic or benign to our knowledge

Labcorp Genetics (formerly Invitae), Labcorp
Classification: Likely benign. Last evaluated: 2024-04-09. Review status: criteria provided, single submitter. Criteria: Invitae Variant Classification Sherloc (09022015). Collection method: clinical testing. Allele origin: germline.

NM_005529.7(HSPG2):c.3280G>A (p.Ala1094Thr)

Gene: HSPG2 (heparan sulfate proteoglycan 2; minus strand). Cytogenetic location: 1p36.12.
Variant type: single nucleotide variant.
Coding change: c.3280G>A on transcript NM_005529.7 (MANE Select); coding-DNA position 3280, G replaced by A.
Protein change: p.Ala1094Thr; replaces alanine 1094 with threonine.
Molecular consequence: missense variant.
Genome position (GRCh38, 1-based): chr1:21,875,651, C>T on the plus strand (G>A on the coding strand, the complement: HSPG2 is on the minus strand). VCF-style: chr1-21875651-C-T. GRCh37 (hg19) VCF-style: chr1-22202144-C-T.
Other names: c.3283G>A, p.Ala1095Thr (NM_001291860.2); c.3280G>A (NM_005529.5); short protein forms A1094T, A1095T.
Identifiers: ClinVar variation 2895129 (VCV002895129.4), dbSNP rs200196481, ClinGen allele CA672714.